The following is an entry in ClinVar:

ClinVar aggregate classification (germline): Uncertain significance (1 of 4 stars; one submission).

Conditions:
GATA binding protein 1 related thrombocytopenia with dyserythropoiesis. Also called: GATA1-Related X-Linked Cytopenia; GATA1-Related Cytopenia. Identifiers: MedGen C1845837, MONDO:0100089.
Diamond-Blackfan anemia. Also called: Blackfan Diamond syndrome; Aregenerative anemia chronic congenital; Red cell aplasia, pure hereditary; Congenital hypoplastic anemia; Aase syndrome. Identifiers: Orphanet 124, MedGen C1260899, MeSH D029503, MONDO:0015253, HP:0004810.

gnomAD v4.1: 5 of 1,210,675 alleles (0.00041%); highest among the groups gnomAD compares: East Asian, 0.003%; no homozygotes.

Submission:

Labcorp Genetics (formerly Invitae), Labcorp
Classification: Uncertain significance for GATA binding protein 1 related thrombocytopenia with dyserythropoiesis; Diamond-Blackfan anemia. Last evaluated: 2025-03-04. Review status: criteria provided, single submitter. Criteria: Invitae Variant Classification Sherloc (09022015). Collection method: clinical testing. Allele origin: germline.
Comment: This sequence change replaces arginine, which is basic and polar, with tryptophan, which is neutral and slightly polar, at codon 298 of the GATA1 protein (p.Arg298Trp). This variant is not present in population databases (gnomAD no frequency). This variant has not been reported in the literature in individuals affected with GATA1-related conditions. ClinVar contains an entry for this variant (Variation ID: 406677). Invitae Evidence Modeling of protein sequence and biophysical properties (such as structural, functional, and spatial information, amino acid conservation, physicochemical variation, residue mobility, and thermodynamic stability) has been performed for this missense variant. However, the output from this modeling did not meet the statistical confidence thresholds required to predict the impact of this variant on GATA1 protein function. In summary, the available evidence is currently insufficient to determine the role of this variant in disease. Therefore, it has been classified as a Variant of Uncertain Significance.

NM_002049.4(GATA1):c.892C>T (p.Arg298Trp)

Gene: GATA1 (GATA binding protein 1; plus strand). Cytogenetic location: Xp11.23.
Variant type: single nucleotide variant.
Coding change: c.892C>T on transcript NM_002049.4 (MANE Select); coding-DNA position 892, C replaced by T.
Protein change: p.Arg298Trp; replaces arginine 298 with tryptophan.
Molecular consequence: missense variant.
Genome position (GRCh38, 1-based): chrX:48,793,814, C>T. VCF-style: chrX-48793814-C-T. GRCh37 (hg19) VCF-style: chrX-48652221-C-T.
Other names: short protein forms R298W.
Identifiers: ClinVar variation 406677 (VCV000406677.8), dbSNP rs1060501251, ClinGen allele CA16616695.
Genomic context (GRCh38, chrX:48,793,814, plus strand): 5'-GTCTGGAGTTGGGGACACCCGCAGCCTCCTTTTTGGCAGGTGAACCGGCCACTGACCATG[C>T]GGAAGGATGGTATTCAGACTCGAAACCGCAAGGCATCTGGAAAAGGGAAAAAGAAACGGG-3'
Protein context (NP_002040.1, residues 288-308): LHQVNRPLTM[Arg298Trp]KDGIQTRNRK